The following is an entry in ClinVar:

NM_003995.4(NPR2):c.987+1G>C

Gene: NPR2 (natriuretic peptide receptor 2; plus strand). Cytogenetic location: 9p13.3.
Variant type: single nucleotide variant.
Coding change: c.987+1G>C on transcript NM_003995.4 (MANE Select); the canonical splice donor site of the intron after coding-DNA position 987, G replaced by C.
Molecular consequence: splice donor variant.
Genome position (GRCh38, 1-based): chr9:35,799,732, G>C. VCF-style: chr9-35799732-G-C. GRCh37 (hg19) VCF-style: chr9-35799729-G-C.
Other names: c.987+1G>C (NM_001378923.1).
Identifiers: ClinVar variation 468349 (VCV000468349.1), dbSNP rs1554672893, ClinGen allele CA373369547.
Genomic context (GRCh38, chr9:35,799,732, plus strand): 5'-CAGAATCGTCTGCTGATAAGAGCCCGGGAAGACTTTGGTGTGGAGCTGGGCCCTTCCCTG[G>C]TAAGTAGATCTCTCCCTTCCTGAGAGTCAGGTCAAGCTTTGGGGAAGGGCTTCTCTCCCA-3'

ClinVar aggregate classification (germline): Likely pathogenic (1 of 4 stars; one submission).

Conditions:
Acromesomelic dysplasia 1, Maroteaux type (AMD1). Also called: ACROMESOMELIC DYSPLASIA 1; ST. HELENA DYSPLASIA. Identifiers: Orphanet 40, MedGen C1864356, MONDO:0011275, OMIM 602875.
Tall stature-scoliosis-macrodactyly of the great toes syndrome. Also called: Epiphyseal chondrodysplasia, miura type. Identifiers: Orphanet 329191, MedGen C4014690, MONDO:0014401, OMIM 615923.

Submission:

Labcorp Genetics (formerly Invitae), Labcorp
Classification: Likely pathogenic for Tall stature-scoliosis-macrodactyly of the great toes syndrome; Acromesomelic dysplasia 1, Maroteaux type. Last evaluated: 2017-10-12. Review status: criteria provided, single submitter. Criteria: Invitae Variant Classification Sherloc (09022015). Collection method: clinical testing. Allele origin: germline.
Comment: This sequence change affects a donor splice site in intron 3 of the NPR2 gene. It is expected to disrupt RNA splicing and likely results in an absent or disrupted protein product. This variant is not present in population databases (ExAC no frequency). This variant has not been reported in the literature in individuals with NPR2-related disease. Donor and acceptor splice site variants typically lead to a loss of protein function (PMID: 16199547), and loss-of-function variants in NPR2 are known to be pathogenic (PMID: 15146390, 23065701). In summary, the currently available evidence indicates that the variant is pathogenic, but additional data are needed to prove that conclusively. Therefore, this variant has been classified as Likely Pathogenic.

Literature cited by the submitters: PubMed 23065701; PubMed 15146390.